The following is an entry in ClinVar:

ClinVar aggregate classification (germline): Pathogenic. Review status: criteria provided, multiple submitters, no conflicts (2 of 4 stars). 2 submissions from 2 submitters: Pathogenic (2). Last evaluated 2026-01-01.

Conditions:
Joubert syndrome 10 (JBTS10). Identifiers: Orphanet 2754, MedGen C2749019, MONDO:0010431, OMIM 300804.
Orofaciodigital syndrome I (OFD1). Also called: Oral-Facial-Digital Syndrome Type I; OFDS I; Papillon-Leage and Psaume Syndrome. Identifiers: Orphanet 2750, MedGen C1510460, MONDO:0010702, OMIM 311200.
Retinitis pigmentosa 23 (RP23). Identifiers: Orphanet 791, MedGen C1419610, MONDO:0010320, OMIM 300424.
Simpson-Golabi-Behmel syndrome type 2. Identifiers: Orphanet 79022, MedGen C1846175, MONDO:0010265, OMIM 300209.

Submissions (4):

CeGaT Center for Human Genetics Tuebingen
Classification: Pathogenic. Last evaluated: 2026-01-01. Review status: criteria provided, single submitter. Criteria: CeGaT Center For Human Genetics Tuebingen Variant Classification Criteria Version 2. Collection method: clinical testing. Allele origin: germline. Affected: yes. Observed: 1 variant allele.
Comment: OFD1: PVS1, PM2, PS4:Moderate, PS2:Supporting

Fulgent Genetics
Classification: Pathogenic for Simpson-Golabi-Behmel syndrome type 2; Retinitis pigmentosa 23; Joubert syndrome 10; Orofaciodigital syndrome I. Last evaluated: 2024-05-03. Review status: criteria provided, single submitter. Criteria: ACMG Guidelines, 2015. Collection method: clinical testing. Allele origin: germline.

Dr. Peter K. Rogan Lab, Western University
No classification provided (evidence only). Condition: Thyroid cancer, nonmedullary, 1. Review status: no classification provided. Collection method: in vitro. Allele origin: not applicable. Functional consequence: retained intron. Not counted in ClinVar's aggregate classification.

Dr. Peter K. Rogan Lab, Western University
No classification provided (evidence only). Condition: Thyroid cancer, nonmedullary, 1. Review status: no classification provided. Collection method: in vitro. Allele origin: not applicable. Functional consequence: retained intron. Not counted in ClinVar's aggregate classification.

NM_003611.3(OFD1):c.1411+1G>A

Gene: OFD1 (OFD1 centriole and centriolar satellite protein; plus strand). Cytogenetic location: Xp22.2.
Variant type: single nucleotide variant.
Coding change: c.1411+1G>A on transcript NM_003611.3 (MANE Select); the canonical splice donor site of the intron after coding-DNA position 1411, G replaced by A.
Molecular consequence: splice donor variant.
Genome position (GRCh38, 1-based): chrX:13,756,768, G>A. VCF-style: chrX-13756768-G-A. GRCh37 (hg19) VCF-style: chrX-13774887-G-A.
Other names: NC_000023.10:g.13774887G>A; c.991+1G>A (NM_001330210.2); c.1291+1G>A (NM_001330209.2).
Identifiers: ClinVar variation 1179099 (VCV001179099.9), dbSNP rs2147027077, ClinGen allele CA412342954.